The following is an entry in ClinVar:

NM_201253.3(CRB1):c.2128+15A>C

Gene: CRB1 (crumbs cell polarity complex component 1; plus strand). Cytogenetic location: 1q31.3.
Variant type: single nucleotide variant.
Coding change: c.2128+15A>C on transcript NM_201253.3 (MANE Select); 15 bases into the intron after coding-DNA position 2128, A replaced by C.
Molecular consequence: intron variant.
Genome position (GRCh38, 1-based): chr1:197,421,971, A>C. VCF-style: chr1-197421971-A-C. GRCh37 (hg19) VCF-style: chr1-197391101-A-C.
Other names: c.1921+15A>C (NM_001257965.2); c.2128+15A>C (NM_001257966.2); c.1792+15A>C (NM_001193640.2).
Identifiers: ClinVar variation 294674 (VCV000294674.27), dbSNP rs75691013, ClinGen allele CA1312037.

ClinVar aggregate classification (germline): Benign/Likely benign. Review status: criteria provided, multiple submitters, no conflicts (2 of 4 stars). 10 submissions from 6 submitters: Benign (5); Likely benign (5). Last evaluated 2026-02-01.

Conditions:
Retinitis pigmentosa (RP). Identifiers: Orphanet 791, MedGen C0035334, MeSH D012174, MONDO:0019200, OMIM 268000. Inheritance: Autosomal dominant, autosomal recessive and X linked inheritance.
Leber congenital amaurosis 8 (LCA8). Identifiers: Orphanet 65, MedGen C3151202, MONDO:0013453, OMIM 613835.
Retinitis pigmentosa 12 (RP12). Also called: RP WITH OR WITHOUT PRESERVED PARAARTERIOLE RETINAL PIGMENT EPITHELIUM; RETINITIS PIGMENTOSA WITH OR WITHOUT PARAARTERIOLAR PRESERVATION OF RETINAL PIGMENT EPITHELIUM; RP WITH OR WITHOUT PPRPE. Identifiers: Orphanet 791, MedGen C1838647, MONDO:0010818, OMIM 600105.
Pigmented paravenous retinochoroidal atrophy. Identifiers: Orphanet 251295, MedGen C1868310, MONDO:0008246, OMIM 172870.

Allele frequency attached by ClinVar (database versions not stated): gnomAD exomes 0.00415; ExAC 0.00490; gnomAD 0.01544 and 0.01643; ESP Exome Variant Server 0.01673; TOPMed 0.01755; 1000 Genomes Project 0.01977; 1000 Genomes Project 30x 0.02092.
gnomAD v4.1: 4,707 of 1,611,858 alleles (0.29%); highest among the groups gnomAD compares: African/African-American, 5.4%; 133 homozygotes.

Submissions (10):

Labcorp Genetics (formerly Invitae), Labcorp
Classification: Benign for Leber congenital amaurosis 8; Retinitis pigmentosa 12. Last evaluated: 2026-02-01. Review status: criteria provided, single submitter. Criteria: Invitae Variant Classification Sherloc (09022015). Collection method: clinical testing. Allele origin: germline.

Blueprint Genetics
Classification: Benign. Last evaluated: 2024-11-22. Review status: criteria provided, single submitter. Criteria: ACMG Guidelines, 2015. Collection method: clinical testing. Allele origin: germline.

Genome-Nilou Lab
Classification: Likely benign for Leber congenital amaurosis 8. Last evaluated: 2023-04-11. Review status: criteria provided, single submitter. Criteria: ACMG Guidelines, 2015. Collection method: clinical testing. Allele origin: germline. Affected: no.

Genome-Nilou Lab
Classification: Likely benign for Pigmented paravenous retinochoroidal atrophy. Last evaluated: 2023-04-11. Review status: criteria provided, single submitter. Criteria: ACMG Guidelines, 2015. Collection method: clinical testing. Allele origin: germline. Affected: no.

Genome-Nilou Lab
Classification: Likely benign for Retinitis pigmentosa 12. Last evaluated: 2023-04-11. Review status: criteria provided, single submitter. Criteria: ACMG Guidelines, 2015. Collection method: clinical testing. Allele origin: germline. Affected: no.

ARUP Laboratories, Molecular Genetics and Genomics, ARUP Laboratories
Classification: Benign. Last evaluated: 2022-03-31. Review status: criteria provided, single submitter. Criteria: ARUP Molecular Germline Variant Investigation Process 2021. Collection method: clinical testing. Allele origin: germline.

Illumina Laboratory Services, Illumina
Classification: Benign for Pigmented paravenous retinochoroidal atrophy. Last evaluated: 2018-01-13. Review status: criteria provided, single submitter. Criteria: ICSL Variant Classification Criteria 13 December 2019. Collection method: clinical testing. Allele origin: germline.
Comment: This variant was observed in the ICSL laboratory as part of a predisposition screen in an ostensibly healthy population. It had not been previously curated by ICSL or reported in the Human Gene Mutation Database (HGMD: prior to June 1st, 2018), and was therefore a candidate for classification through an automated scoring system. Utilizing variant allele frequency, disease prevalence and penetrance estimates, and inheritance mode, an automated score was calculated to assess if this variant is too frequent to cause the disease. Based on the score and internal cut-off values, a variant classified as benign is not then subjected to further curation. The score for this variant resulted in a classification of benign for this disease.

Illumina Laboratory Services, Illumina
Classification: Likely benign for Retinitis pigmentosa. Last evaluated: 2018-01-13. Review status: criteria provided, single submitter. Criteria: ICSL Variant Classification Criteria 13 December 2019. Collection method: clinical testing. Allele origin: germline.
Comment: This variant was observed in the ICSL laboratory as part of a predisposition screen in an ostensibly healthy population. It had not been previously curated by ICSL or reported in the Human Gene Mutation Database (HGMD: prior to June 1st, 2018), and was therefore a candidate for classification through an automated scoring system. Utilizing variant allele frequency, disease prevalence and penetrance estimates, and inheritance mode, an automated score was calculated to assess if this variant is too frequent to cause the disease. Based on the score and internal cut-off values, a variant classified as likely benign is not then subjected to further curation. The score for this variant resulted in a classification of likely benign for this disease.

Illumina Laboratory Services, Illumina
Classification: Likely benign for Leber congenital amaurosis 8. Last evaluated: 2018-01-13. Review status: criteria provided, single submitter. Criteria: ICSL Variant Classification Criteria 13 December 2019. Collection method: clinical testing. Allele origin: germline.
Comment: the same text as in the submission from Illumina Laboratory Services, Illumina above.

GeneDx
Classification: Benign. Last evaluated: 2015-03-03. Review status: criteria provided, single submitter. Criteria: GeneDx Variant Classification Process June 2021. Collection method: clinical testing. Allele origin: germline. Affected: yes.